The following is an entry in ClinVar:

ClinVar aggregate classification (germline): Uncertain significance (1 of 4 stars; one submission).

gnomAD v4.1: 1 of 1,608,924 alleles (0.000062%); highest among the groups gnomAD compares: South Asian, 0.0011%; no homozygotes.

Submission:

Quest Diagnostics Nichols Institute San Juan Capistrano
Classification: Uncertain significance. Last evaluated: 2024-11-22. Review status: criteria provided, single submitter. Criteria: Quest Diagnostics criteria. Collection method: clinical testing. Allele origin: unknown.
Comment: The RET c.2731-7T>G variant has not been reported in individuals with RET-related conditions in the published literature. It also has not been reported in large, multi-ethnic general populations (Genome Aggregation Database). Analysis of this variant using software algorithms for the prediction of the effect of nucleotide changes on splicing yielded predictions that this variant does not affect RET mRNA splicing. Based on the available information, we are unable to determine the clinical significance of this variant.

NM_020975.6(RET):c.2731-7T>G

Gene: RET (ret proto-oncogene; plus strand). Cytogenetic location: 10q11.21.
Variant type: single nucleotide variant.
Coding change: c.2731-7T>G on transcript NM_020975.6 (MANE Select); 7 bases into the intron before coding-DNA position 2731, T replaced by G.
Molecular consequence: intron variant.
Genome position (GRCh38, 1-based): chr10:43,121,939, T>G. VCF-style: chr10-43121939-T-G. GRCh37 (hg19) VCF-style: chr10-43617387-T-G.
Other names: c.2731-7T>G (NM_020630.7, NM_001406743.1, NM_001406744.1 and 2 more transcripts); c.2596-7T>G (NM_001406765.1, NM_001406763.1); c.2335-7T>G (NM_001406772.1, NM_001406769.1); c.2293-7T>G (NM_001406773.1, NM_001406771.1); c.1834-7T>G (NM_001406782.1, NM_001406780.1, NM_001406779.1 and 1 more transcripts); c.1699-7T>G (NM_001406787.1); c.1714-7T>G (NM_001406785.1); c.2602-7T>G (NM_001406764.1, NM_001406762.1, NM_001406761.1); and 10 more.
Identifiers: ClinVar variation 3572303 (VCV003572303.1).